The following is an entry in ClinVar:

NM_004369.4(COL6A3):c.6760G>A (p.Gly2254Arg)

Gene: COL6A3 (collagen type VI alpha 3 chain; minus strand). Cytogenetic location: 2q37.3.
Variant type: single nucleotide variant.
Coding change: c.6760G>A on transcript NM_004369.4 (MANE Select); coding-DNA position 6760, G replaced by A.
Protein change: p.Gly2254Arg; replaces glycine 2254 with arginine.
Molecular consequence: missense variant.
Genome position (GRCh38, 1-based): chr2:237,351,186, C>T on the plus strand (G>A on the coding strand, the complement: COL6A3 is on the minus strand). VCF-style: chr2-237351186-C-T. GRCh37 (hg19) VCF-style: chr2-238259829-C-T.
Other names: c.4939G>A, p.Gly1647Arg (NM_057166.5); c.6142G>A, p.Gly2048Arg (NM_057167.4); short protein forms G1647R, G2048R, G2254R.
Identifiers: ClinVar variation 2440494 (VCV002440494.6), dbSNP rs139768780, ClinGen allele CA2188092.

ClinVar aggregate classification (germline): Uncertain significance. Review status: criteria provided, multiple submitters, no conflicts (2 of 4 stars). 2 submissions from 2 submitters: Uncertain significance (2). Last evaluated 2025-02-08.

Conditions:
Bethlem myopathy 1A. Also called: MYOPATHY, BENIGN CONGENITAL, WITH CONTRACTURES; Bethlem myopathy 1; Bethlem Muscular Dystrophy. Identifiers: Orphanet 610, MedGen CN029274, MONDO:0024530, OMIM 158810.

Allele frequency attached by ClinVar (database versions not stated): gnomAD exomes below 0.00001; TOPMed below 0.00001; ExAC 0.00002; gnomAD 0.00002; 1000 Genomes Project 0.00020.
gnomAD v4.1: 7 of 1,614,188 alleles (0.00043%); highest among the groups gnomAD compares: Admixed American, 0.0017%; no homozygotes.

Submissions (2):

Labcorp Genetics (formerly Invitae), Labcorp
Classification: Uncertain significance for Bethlem myopathy 1A. Last evaluated: 2025-02-08. Review status: criteria provided, single submitter. Criteria: Invitae Variant Classification Sherloc (09022015). Collection method: clinical testing. Allele origin: germline.
Comment: This sequence change replaces glycine, which is neutral and non-polar, with arginine, which is basic and polar, at codon 2254 of the COL6A3 protein (p.Gly2254Arg). This variant is present in population databases (rs139768780, gnomAD 0.003%). This variant has not been reported in the literature in individuals affected with COL6A3-related conditions. ClinVar contains an entry for this variant (Variation ID: 2440494). Invitae Evidence Modeling of protein sequence and biophysical properties (such as structural, functional, and spatial information, amino acid conservation, physicochemical variation, residue mobility, and thermodynamic stability) has been performed for this missense variant. However, the output from this modeling did not meet the statistical confidence thresholds required to predict the impact of this variant on COL6A3 protein function. In summary, the available evidence is currently insufficient to determine the role of this variant in disease. Therefore, it has been classified as a Variant of Uncertain Significance.

Revvity Omics, Revvity
Classification: Uncertain significance. Last evaluated: 2022-11-15. Review status: criteria provided, single submitter. Criteria: ACMG Guidelines, 2015. Collection method: clinical testing. Allele origin: germline.